The following is an entry in ClinVar:

NM_001330311.2(DVL1):c.2059C>A (p.Pro687Thr)

Gene: DVL1 (dishevelled segment polarity protein 1; minus strand). Cytogenetic location: 1p36.33.
Variant type: single nucleotide variant.
Coding change: c.2059C>A on transcript NM_001330311.2 (MANE Select); coding-DNA position 2059, C replaced by A.
Protein change: p.Pro687Thr; replaces proline 687 with threonine.
Molecular consequence: missense variant.
Genome position (GRCh38, 1-based): chr1:1,336,171, G>T on the plus strand (C>A on the coding strand, the complement: DVL1 is on the minus strand). VCF-style: chr1-1336171-G-T. GRCh37 (hg19) VCF-style: chr1-1271551-G-T.
Other names: c.1984C>A, p.Pro662Thr (NM_004421.3); short protein forms P687T, P662T.
Identifiers: ClinVar variation 2955922 (VCV002955922.3), dbSNP rs765583811, ClinGen allele CA519736.

ClinVar aggregate classification (germline): Uncertain significance (1 of 4 stars; one submission).

gnomAD v4.1: 8 of 1,574,784 alleles (0.00051%); highest among the groups gnomAD compares: Admixed American, 0.014%; no homozygotes.

Submission:

Labcorp Genetics (formerly Invitae), Labcorp
Classification: Uncertain significance. Last evaluated: 2023-01-16. Review status: criteria provided, single submitter. Criteria: Invitae Variant Classification Sherloc (09022015). Collection method: clinical testing. Allele origin: germline.
Comment: In summary, the available evidence is currently insufficient to determine the role of this variant in disease. Therefore, it has been classified as a Variant of Uncertain Significance. Advanced modeling of protein sequence and biophysical properties (such as structural, functional, and spatial information, amino acid conservation, physicochemical variation, residue mobility, and thermodynamic stability) has been performed at Invitae for this missense variant, however the output from this modeling did not meet the statistical confidence thresholds required to predict the impact of this variant on DVL1 protein function. This variant has not been reported in the literature in individuals affected with DVL1-related conditions. The frequency data for this variant in the population databases is considered unreliable, as metrics indicate poor data quality at this position in the gnomAD database. This sequence change replaces proline, which is neutral and non-polar, with threonine, which is neutral and polar, at codon 662 of the DVL1 protein (p.Pro662Thr).